The following continues an entry in ClinVar:

NM_000155.4(GALT):c.512T>C (p.Phe171Ser)

Gene: GALT. ClinVar aggregate classification (germline): Pathogenic/Likely pathogenic. Pathogenic (15); Likely pathogenic (1).

Submissions 12 to 17 of 17:

Mayo Clinic Laboratories, Mayo Clinic
Classification: Pathogenic. Last evaluated: 2023-02-14. Review status: criteria provided, single submitter. Criteria: ACMG Guidelines, 2015. Collection method: clinical testing. Allele origin: germline. Observed: 11 variant alleles.
Comment: PP3, PM2_moderate

GeneDx
Classification: Pathogenic. Last evaluated: 2020-06-25. Review status: criteria provided, single submitter. Criteria: GeneDx Variant Classification Process June 2021. Collection method: clinical testing. Allele origin: germline. Affected: yes.
Comment: Published functional studies demonstrate a significant decrease in GALT enzyme activity (McCorvie et al., 2013; Crews et al., 2000; Riehman et al., 2001); In silico analysis, which includes protein predictors and evolutionary conservation, supports a deleterious effect; This variant is associated with the following publications: (PMID: 9635294, 18956253, 23022339, 1301925, 10408771, 10535394, 11397328, 22944367, 1610789, 25124065, 22975760, 11152465, 27176039, 20008339, 10811638, 23583749, 8198125)

Myriad Genetics, Inc.
Classification: Likely pathogenic for Deficiency of UDPglucose-hexose-1-phosphate uridylyltransferase. Last evaluated: 2019-11-15. Review status: criteria provided, single submitter. Criteria: Myriad Women's Health Autosomal Recessive and X-Linked Classification Criteria (2019). Collection method: clinical testing. Allele origin: unknown.
Comment: NM_000155.3(GALT):c.512T>C(F171S) is classified as likely pathogenic in the context of galactosemia. Sources cited for classification include the following: PMID 23583749, 23022339, 22944367, 10811638, 10960497, 11152465 and 1610789. Classification of NM_000155.3(GALT):c.512T>C(F171S) is based on the following criteria: This variant has been observed more frequently in patients with clinical diagnoses and is very rare or not present in genetic databases of healthy individuals. Please note: this variant was assessed in the context of healthy population screening.

Eurofins Ntd Llc (ga)
Classification: Pathogenic. Last evaluated: 2018-02-13. Review status: criteria provided, single submitter. Criteria: EGL ClinVar v180209 classification definitions. Collection method: clinical testing. Allele origin: germline. Observed: 25 variant alleles, 23 heterozygotes, 2 homozygotes.

Women's Health and Genetics/Laboratory Corporation of America, LabCorp
Classification: Pathogenic for Deficiency of UDPglucose-hexose-1-phosphate uridylyltransferase. Last evaluated: 2016-09-22. Review status: criteria provided, single submitter. Criteria: LabCorp Variant Classification Summary - May 2015. Collection method: clinical testing. Allele origin: germline.
Comment: Variant summary: The GALT c.512T>C (p.Phe171Ser) variant is located in the Galactose-1-phosphate uridyl transferase, N-terminal domain causing a missense change involving a conserved nucleotide with 4/4 in silico tools (SNPs&GO not captured due to low reliability index) predicting a damaging outcome. The variant of interest was observed in the large, broad control population, ExAC, with an allele frequency of 1/121466, which does not exceed the estimated maximal expected allele frequency for a pathogenic GALT variant of 1/346. Multiple publications cite the variant in affected individuals as homozygous or compound heterozygous, along with multiple clinical diagnostic laboratories citing the variant as "pathogenic." Therefore, the variant of interest has been classified as Pathogenic.

OMIM
Classification: Pathogenic for GALACTOSEMIA I. Last evaluated: 1992-06-23. Review status: no assertion criteria provided. Collection method: literature only. Allele origin: germline. Not counted in ClinVar's aggregate classification.

Literature cited by the submitters: PubMed 22944367 (cited by 6 submitters); PubMed 1610789 (cited by 7 submitters); PubMed 18956253 (cited by 4 submitters); PubMed 23022339 (cited by 4 submitters); PubMed 27176039 (cited by 3 submitters); PubMed 10811638 (cited by 6 submitters); PubMed 23583749 (cited by 5 submitters); PubMed 11152465 (cited by 4 submitters); PubMed 10535394 (cited by Dasa and Women's Health and Genetics/Laboratory Corporation of America, LabCorp); PubMed 10960497 (cited by Myriad Genetics, Inc.); PubMed 11397328 (cited by Women's Health and Genetics/Laboratory Corporation of America, LabCorp); PubMed 20008339 (cited by Women's Health and Genetics/Laboratory Corporation of America, LabCorp); PubMed 8198125 (cited by Women's Health and Genetics/Laboratory Corporation of America, LabCorp); PubMed 10408771 (cited by Women's Health and Genetics/Laboratory Corporation of America, LabCorp); PubMed 9635294 (cited by Women's Health and Genetics/Laboratory Corporation of America, LabCorp).